The following is an entry in ClinVar:

ClinVar aggregate classification (germline): Uncertain significance (1 of 4 stars; one submission).

gnomAD v4.1: 3 of 1,613,010 alleles (0.00019%); highest among the groups gnomAD compares: East Asian, 0.0067%; no homozygotes.

Submission:

GeneDx
Classification: Uncertain significance. Last evaluated: 2024-11-06. Review status: criteria provided, single submitter. Criteria: GeneDx Variant Classification Process June 2021. Collection method: clinical testing. Allele origin: germline. Affected: yes.
Comment: Not observed at significant frequency in large population cohorts (gnomAD); In silico analysis supports that this missense variant has a deleterious effect on protein structure/function; Has not been previously published as pathogenic or benign to our knowledge

NM_138792.4(LEO1):c.1785A>T (p.Lys595Asn)

Gene: LEO1 (LEO1 homolog, Paf1/RNA polymerase II complex component; minus strand). Cytogenetic location: 15q21.2.
Variant type: single nucleotide variant.
Coding change: c.1785A>T on transcript NM_138792.4 (MANE Select); coding-DNA position 1785, A replaced by T.
Protein change: p.Lys595Asn; replaces lysine 595 with asparagine.
Molecular consequence: missense variant.
Genome position (GRCh38, 1-based): chr15:51,949,821, T>A on the plus strand (A>T on the coding strand, the complement: LEO1 is on the minus strand). VCF-style: chr15-51949821-T-A. GRCh37 (hg19) VCF-style: chr15-52242018-T-A.
Other names: c.1605A>T, p.Lys535Asn (NM_001286430.2); c.1785A>T, p.Lys595Asn (NM_001323903.2, NM_001323904.2, NM_001426597.1 and 1 more transcripts); short protein forms K535N, K595N.
Identifiers: ClinVar variation 3899065 (VCV003899065.1).
Genomic context (GRCh38, chr15:51,949,821, plus strand): 5'-GTCCAGAATCCCGAAATGATGAAATGTAATTTCCATACACGACTCACCTCGAATGCCCCC[T>A]TTATATCGGTTTTTAATGGCAGCCAAGCTGATGGACTCCTCGCCTTCCTCCTCCTCATCG-3'
Protein context (NP_620147.1, residues 585-605): ISLAAIKNRY[Lys595Asn]GGIREERARI